The following is an entry in ClinVar:

NM_173483.4(CYP4F22):c.1483C>T (p.Arg495Cys)

Gene: CYP4F22 (cytochrome P450 family 4 subfamily F member 22; plus strand). Cytogenetic location: 19p13.12.
Variant type: single nucleotide variant.
Coding change: c.1483C>T on transcript NM_173483.4 (MANE Select); coding-DNA position 1483, C replaced by T.
Protein change: p.Arg495Cys; replaces arginine 495 with cysteine.
Molecular consequence: missense variant.
Genome position (GRCh38, 1-based): chr19:15,551,358, C>T. VCF-style: chr19-15551358-C-T. GRCh37 (hg19) VCF-style: chr19-15662169-C-T.
Other names: short protein forms R495C.
Identifiers: ClinVar variation 1398773 (VCV001398773.8), dbSNP rs200171674, ClinGen allele CA404544251.
Genomic context (GRCh38, chr19:15,551,358, plus strand): 5'-TGCATCGGACAGAGCTTCGCCATGGCCGAGTTGCGCGTGGTTGTGGCACTAACACTGCTA[C>T]GTTTCCGCCTGAGCGTGGACCGAACGCGCAAGGTGCGGCGGAAGCCGGAGCTCATACTGC-3'
Protein context (NP_775754.2, residues 485-505): LRVVVALTLL[Arg495Cys]FRLSVDRTRK

ClinVar aggregate classification (germline): Pathogenic (1 of 4 stars; one submission).

gnomAD v4.1: 1 of 1,613,292 alleles (0.000062%); highest among the groups gnomAD compares: Non-Finnish European, 0.000085%; no homozygotes.

Submission:

Labcorp Genetics (formerly Invitae), Labcorp
Classification: Pathogenic. Last evaluated: 2024-02-23. Review status: criteria provided, single submitter. Criteria: Invitae Variant Classification Sherloc (09022015). Collection method: clinical testing. Allele origin: germline.
Comment: This sequence change replaces arginine, which is basic and polar, with cysteine, which is neutral and slightly polar, at codon 495 of the CYP4F22 protein (p.Arg495Cys). This variant is not present in population databases (gnomAD no frequency). This missense change has been observed in individual(s) with clinical features of congenital ichthyosis (Invitae). ClinVar contains an entry for this variant (Variation ID: 1398773). Advanced modeling of protein sequence and biophysical properties (such as structural, functional, and spatial information, amino acid conservation, physicochemical variation, residue mobility, and thermodynamic stability) performed at Invitae indicates that this missense variant is expected to disrupt CYP4F22 protein function with a positive predictive value of 95%. For these reasons, this variant has been classified as Pathogenic.